The following is an entry in ClinVar:

NM_000521.4(HEXB):c.1278_1279del (p.Asp426fs)

Gene: HEXB (hexosaminidase subunit beta; plus strand). Cytogenetic location: 5q13.3.
Variant type: Deletion.
Coding change: c.1278_1279del on transcript NM_000521.4 (MANE Select); coding-DNA positions 1278 to 1279, 2 bases deleted (CA; older notation c.1278_1279delCA).
Protein change: p.Asp426fs; shifts the reading frame from aspartic acid 426.
Molecular consequence: frameshift variant.
Genome position (GRCh38, 1-based): chr5:74,718,832-74,718,833, CA deleted; deleting any 2 consecutive bases within chr5:74,718,831-74,718,833 gives the same sequence; the c. name uses the placement nearest the transcript's 3' end. VCF-style (leftmost placement, unchanged base first): chr5-74718830-GAC-G. GRCh37 (hg19) VCF-style: chr5-74014655-GAC-G.
Other names: c.603_604del, p.Asp201fs (NM_001292004.2); short protein forms D201fs, D426fs.
Identifiers: ClinVar variation 1415401 (VCV001415401.6), dbSNP rs2112180614, ClinGen allele CA2573139798.
Genomic context (GRCh38, chr5:74,718,830, plus strand): 5'-ATGTATTGCAATTTGTAACGTTAATAGCTTGCGCCGGGCACAATAGTTGAAGTATGGAAA[GAC>G]AGCGCATATCCTGAGGAACTCAGTAGAGTCACAGCATCTGGCTTCCCTGTAATCCTTTCT-3'

ClinVar aggregate classification (germline): Pathogenic (1 of 4 stars; one submission).

Conditions:
Sandhoff disease. Also called: Beta-hexosaminidase-beta-subunit deficiency; GM2 gangliosidosis, type 2; Total hexosaminidase deficiency; Sandhoff-Jatzkewitz-Pilz disease; GM2-GANGLIOSIDOSIS, TYPE II; HEXOSAMINIDASES A AND B DEFICIENCY. Identifiers: Orphanet 796, MedGen C0036161, MONDO:0010006, OMIM 268800.

Submission:

Labcorp Genetics (formerly Invitae), Labcorp
Classification: Pathogenic for Sandhoff disease. Last evaluated: 2024-01-31. Review status: criteria provided, single submitter. Criteria: Invitae Variant Classification Sherloc (09022015). Collection method: clinical testing. Allele origin: germline.
Comment: This sequence change creates a premature translational stop signal (p.Asp426Glufs*5) in the HEXB gene. It is expected to result in an absent or disrupted protein product. Loss-of-function variants in HEXB are known to be pathogenic (PMID: 7550345, 18758829). This variant is not present in population databases (gnomAD no frequency). This variant has not been reported in the literature in individuals affected with HEXB-related conditions. ClinVar contains an entry for this variant (Variation ID: 1415401). Algorithms developed to predict the effect of sequence changes on RNA splicing suggest that this variant may disrupt the consensus splice site. For these reasons, this variant has been classified as Pathogenic.

Literature cited by the submitters: PubMed 7550345; PubMed 18758829.